The following is an entry in ClinVar:

NM_006031.6(PCNT):c.8284C>T (p.Arg2762Trp)

Gene: PCNT (pericentrin; plus strand). Cytogenetic location: 21q22.3.
Variant type: single nucleotide variant.
Coding change: c.8284C>T on transcript NM_006031.6 (MANE Select); coding-DNA position 8284, C replaced by T.
Protein change: p.Arg2762Trp; replaces arginine 2762 with tryptophan.
Molecular consequence: missense variant.
Genome position (GRCh38, 1-based): chr21:46,431,748, C>T. VCF-style: chr21-46431748-C-T. GRCh37 (hg19) VCF-style: chr21-47851662-C-T.
Other names: c.7930C>T, p.Arg2644Trp (NM_001315529.2); short protein forms R2762W, R2644W.
Identifiers: ClinVar variation 211884 (VCV000211884.15), dbSNP rs761885630, ClinGen allele CA207361.

ClinVar aggregate classification (germline): Uncertain significance. Review status: criteria provided, multiple submitters, no conflicts (2 of 4 stars). 5 submissions from 5 submitters: Uncertain significance (5). Last evaluated 2026-07-20.

Conditions:
PCNT-related disorder. Also called: PCNT-related condition.
Microcephalic osteodysplastic primordial dwarfism type II (MOPD2). Also called: MOPD II; OSTEODYSPLASTIC PRIMORDIAL DWARFISM, TYPE II; Microcephalic osteodysplastic primordial dwarfism with tooth abnormalities. Identifiers: Orphanet 2637, MedGen C0432246, MONDO:0008872, OMIM 210720.

Allele frequency attached by ClinVar (database versions not stated): gnomAD 0.00003; TOPMed 0.00003; ExAC 0.00004.
gnomAD v4.1: 33 of 1,612,116 alleles (0.002%); highest among the groups gnomAD compares: Middle Eastern, 0.017%; no homozygotes.

Submissions (5):

PreventionGenetics, part of Exact Sciences
Classification: Uncertain significance for PCNT-related condition. Last evaluated: 2026-07-20. Review status: criteria provided, single submitter. Criteria: ACMG Guidelines, 2015. Collection method: clinical testing. Allele origin: germline.
Comment: The PCNT c.8284C>T variant is predicted to result in the amino acid substitution p.Arg2762Trp. To our knowledge, this variant has not been reported in the literature. This variant is reported in 0.016% of alleles in individuals of African descent in gnomAD. At this time, the clinical significance of this variant is uncertain due to the absence of conclusive functional and genetic evidence.

Blueprint Genetics
Classification: Uncertain significance. Last evaluated: 2024-09-20. Review status: criteria provided, single submitter. Criteria: ACMG Guidelines, 2015. Collection method: clinical testing. Allele origin: germline.

Labcorp Genetics (formerly Invitae), Labcorp
Classification: Uncertain significance. Last evaluated: 2022-07-05. Review status: criteria provided, single submitter. Criteria: Invitae Variant Classification Sherloc (09022015). Collection method: clinical testing. Allele origin: germline.
Comment: This sequence change replaces arginine, which is basic and polar, with tryptophan, which is neutral and slightly polar, at codon 2762 of the PCNT protein (p.Arg2762Trp). This variant is present in population databases (rs761885630, gnomAD 0.02%). This variant has not been reported in the literature in individuals affected with PCNT-related conditions. ClinVar contains an entry for this variant (Variation ID: 211884). Algorithms developed to predict the effect of missense changes on protein structure and function are either unavailable or do not agree on the potential impact of this missense change (SIFT: "Deleterious"; PolyPhen-2: "Possibly Damaging"; Align-GVGD: "Class C0"). In summary, the available evidence is currently insufficient to determine the role of this variant in disease. Therefore, it has been classified as a Variant of Uncertain Significance.

Illumina Laboratory Services, Illumina
Classification: Uncertain significance for Microcephalic osteodysplastic primordial dwarfism type II. Last evaluated: 2018-01-12. Review status: criteria provided, single submitter. Criteria: ICSL Variant Classification Criteria 13 December 2019. Collection method: clinical testing. Allele origin: germline.

Genetic Services Laboratory, University of Chicago
Classification: Uncertain significance. Last evaluated: 2015-01-21. Review status: criteria provided, single submitter. Criteria: ACMG Guidelines, 2015. Collection method: clinical testing. Allele origin: germline.